The following is an entry in ClinVar:

ClinVar aggregate classification (germline): Likely benign. Review status: criteria provided, multiple submitters, no conflicts (2 of 4 stars). 4 submissions from 4 submitters: Likely benign (4). Last evaluated 2023-09-21.

Conditions:
Hereditary cancer-predisposing syndrome. Also called: Hereditary neoplastic syndrome; Hereditary Cancer Syndrome; Neoplastic Syndromes, Hereditary; Tumor predisposition. Identifiers: Orphanet 140162, MedGen C0027672, MeSH D009386, MONDO:0015356.
Breast-ovarian cancer, familial, susceptibility to, 3. Also called: RAD51C-Related Breast/Ovarian Cancer. Identifiers: Orphanet 145, MedGen C3150659, MONDO:0013253, OMIM 613399.

Allele frequency attached by ClinVar (database versions not stated): gnomAD below 0.00001 and 0.00001; TOPMed below 0.00001; gnomAD exomes 0.00002 and 0.00005; ExAC 0.00007.
gnomAD v4.1: 38 of 1,613,804 alleles (0.0024%); highest among the groups gnomAD compares: South Asian, 0.04%; no homozygotes.

Submissions (4):

Department of Pathology and Laboratory Medicine, Sinai Health System
Classification: Likely benign for Breast-ovarian cancer, familial, susceptibility to, 3. Last evaluated: 2023-09-21. Review status: criteria provided, single submitter. Criteria: ACMG Guidelines, 2015. Collection method: clinical testing. Allele origin: germline. Affected: yes.

GeneDx
Classification: Likely benign. Last evaluated: 2018-01-04. Review status: criteria provided, single submitter. Criteria: GeneDx Variant Classification (06012015). Collection method: clinical testing. Allele origin: germline. Affected: yes.
Comment: This variant is considered likely benign or benign based on one or more of the following criteria: it is a conservative change, it occurs at a poorly conserved position in the protein, it is predicted to be benign by multiple in silico algorithms, and/or has population frequency not consistent with disease.

Color Diagnostics, LLC DBA Color Health
Classification: Likely benign for Hereditary cancer-predisposing syndrome. Last evaluated: 2017-06-15. Review status: criteria provided, single submitter. Criteria: ACMG Guidelines, 2015. Collection method: clinical testing. Allele origin: germline.

PreventionGenetics, part of Exact Sciences
Classification: Likely benign. Last evaluated: 2017-05-15. Review status: criteria provided, single submitter. Criteria: ACMG Guidelines, 2015. Collection method: clinical testing. Allele origin: germline.

NM_058216.3(RAD51C):c.-8A>G

Gene: RAD51C (RAD51 paralog C; plus strand). Cytogenetic location: 17q22.
Variant type: single nucleotide variant.
Coding change: c.-8A>G on transcript NM_058216.3 (MANE Select); 8 bases upstream of the start codon, A replaced by G.
Molecular consequence: 5 prime UTR variant. On other transcripts: non-coding transcript variant (2).
Genome position (GRCh38, 1-based): chr17:58,692,636, A>G. VCF-style: chr17-58692636-A-G. GRCh37 (hg19) VCF-style: chr17-56769997-A-G.
Other names: c.-8A>G (NM_002876.4).
Identifiers: ClinVar variation 378459 (VCV000378459.5), dbSNP rs768182004, ClinGen allele CA8677111.